The following is an entry in ClinVar:

NM_001844.5(COL2A1):c.3082A>T (p.Thr1028Ser)

Gene: COL2A1 (collagen type II alpha 1 chain; minus strand). Cytogenetic location: 12q13.11.
Variant type: single nucleotide variant.
Coding change: c.3082A>T on transcript NM_001844.5 (MANE Select); coding-DNA position 3082, A replaced by T.
Protein change: p.Thr1028Ser; replaces threonine 1028 with serine.
Molecular consequence: missense variant.
Genome position (GRCh38, 1-based): chr12:47,978,039, T>A on the plus strand (A>T on the coding strand, the complement: COL2A1 is on the minus strand). VCF-style: chr12-47978039-T-A. GRCh37 (hg19) VCF-style: chr12-48371822-T-A.
Other names: c.2875A>T, p.Thr959Ser (NM_033150.3); short protein forms T1028S, T959S.
Identifiers: ClinVar variation 2694968 (VCV002694968.3), dbSNP rs2540110440, ClinGen allele CA384540672.

ClinVar aggregate classification (germline): Uncertain significance (1 of 4 stars; one submission).

Submission:

Labcorp Genetics (formerly Invitae), Labcorp
Classification: Uncertain significance. Last evaluated: 2023-11-10. Review status: criteria provided, single submitter. Criteria: Invitae Variant Classification Sherloc (09022015). Collection method: clinical testing. Allele origin: germline.
Comment: This sequence change replaces threonine, which is neutral and polar, with serine, which is neutral and polar, at codon 1028 of the COL2A1 protein (p.Thr1028Ser). This variant is not present in population databases (gnomAD no frequency). This variant has not been reported in the literature in individuals affected with COL2A1-related conditions. Advanced modeling of protein sequence and biophysical properties (such as structural, functional, and spatial information, amino acid conservation, physicochemical variation, residue mobility, and thermodynamic stability) performed at Invitae indicates that this missense variant is not expected to disrupt COL2A1 protein function with a negative predictive value of 95%. In summary, the available evidence is currently insufficient to determine the role of this variant in disease. Therefore, it has been classified as a Variant of Uncertain Significance.